The following is an entry in ClinVar:

NM_001291303.3(FAT4):c.7382T>A (p.Val2461Asp)

Gene: FAT4 (FAT atypical cadherin 4; plus strand). Cytogenetic location: 4q28.1.
Variant type: single nucleotide variant.
Coding change: c.7382T>A on transcript NM_001291303.3 (MANE Select); coding-DNA position 7382, T replaced by A.
Protein change: p.Val2461Asp; replaces valine 2461 with aspartic acid.
Molecular consequence: missense variant.
Genome position (GRCh38, 1-based): chr4:125,446,475, T>A. VCF-style: chr4-125446475-T-A. GRCh37 (hg19) VCF-style: chr4-126367630-T-A.
Other names: c.7382T>A, p.Val2461Asp (NM_001291285.3); c.7376T>A, p.Val2459Asp (NM_024582.6); short protein forms V2459D, V2461D.
Identifiers: ClinVar variation 2655084 (VCV002655084.24), dbSNP rs2530882059, ClinGen allele CA358139210.

ClinVar aggregate classification (germline): Uncertain significance (1 of 4 stars; one submission).

Allele frequency attached by ClinVar (database versions not stated): gnomAD exomes below 0.00001.
gnomAD v4.1: 1 of 1,613,396 alleles (0.000062%); highest among the groups gnomAD compares: Non-Finnish European, 0.000085%; no homozygotes.

Submission:

CeGaT Center for Human Genetics Tuebingen
Classification: Uncertain significance. Last evaluated: 2022-03-01. Review status: criteria provided, single submitter. Criteria: CeGaT Center For Human Genetics Tuebingen Variant Classification Criteria Version 2. Collection method: clinical testing. Allele origin: germline. Affected: yes. Observed: 1 variant allele.
Comment: FAT4: PM2